The following is an entry in ClinVar:

ClinVar aggregate classification (germline): Uncertain significance (1 of 4 stars; one submission).

Conditions:
Radioulnar synostosis with amegakaryocytic thrombocytopenia 2 (RUSAT2). Also called: RADIOULNAR SYNOSTOSIS AND AMEGAKARYOCYTIC THROMBOCYTOPENIA 2. Identifiers: Orphanet 71289, MedGen C4225221, MONDO:0014758, OMIM 616738.

Submission:

Victorian Clinical Genetics Services, Murdoch Childrens Research Institute
Classification: Uncertain significance for Radioulnar synostosis with amegakaryocytic thrombocytopenia 2. Last evaluated: 2022-03-31. Review status: criteria provided, single submitter. Criteria: ACMG Guidelines, 2015. Collection method: clinical testing. Allele origin: germline. Inheritance: Autosomal dominant inheritance. Affected: yes.
Comment: Based on the classification scheme VCGS_Germline_v1.3.4, this variant is classified as VUS-3A. Following criteria are met: 0103 - Loss of function and is known mechanisms of disease in this gene. Null variants have been reported in patients with bone marrow failure without radioulnar synostosis (PMID: 29146883). In addition, dominant-negative is the suggested mechanism for radioulnar synostosis with amegakaryocytic thrombocytopenia (MIM#616738; RUSAT; PMID: 26581901). (I) 0107 - This gene is associated with autosomal dominant disease. (I) 0200 - Variant is predicted to result in a missense amino acid change from asparagine to lysine. (I) 0251 - This variant is heterozygous. (I) 0301 - Variant is absent from gnomAD (both v2 and v3). (SP) 0502 - Missense variant with conflicting in silico predictions and uninformative conservation. (I) 0603 - Missense variant in a region that is highly intolerant to missense variation (high constraint region in DECIPHER) and within the zinc-finger domain 9 (Uniprot, PMID: 29519864). (SP) 0705 - No comparable missense variants have previous evidence for pathogenicity. (I) 0807 - This variant has no previous evidence of pathogenicity. (I) 0905 - No published segregation evidence has been identified for this variant. (I) 1007 - No published functional evidence has been identified for this variant. (I) 1208 - Inheritance information for this variant is not currently available in this individual. (I) Legend: (SP) - Supporting pathogenic, (I) - Information, (SB) - Supporting benign

Literature cited by the submitters: PubMed 26581901; PubMed 29146883; PubMed 29519864.

NM_004991.4(MECOM):c.2889C>G (p.Asn963Lys)

Gene: MECOM (MDS1 and EVI1 complex locus; minus strand). Cytogenetic location: 3q26.2.
Variant type: single nucleotide variant.
Coding change: c.2889C>G on transcript NM_004991.4 (MANE Select); coding-DNA position 2889, C replaced by G.
Protein change: p.Asn963Lys; replaces asparagine 963 with lysine.
Molecular consequence: missense variant.
Genome position (GRCh38, 1-based): chr3:169,095,206, G>C on the plus strand (C>G on the coding strand, the complement: MECOM is on the minus strand). VCF-style: chr3-169095206-G-C. GRCh37 (hg19) VCF-style: chr3-168812994-G-C.
Other names: c.2520C>G, p.Asn840Lys (NM_001105077.4); c.2325C>G, p.Asn775Lys (NM_001105078.4, NM_001205194.2, NM_001366469.2 and 1 more transcripts); c.2301C>G, p.Asn767Lys (NM_001163999.2, NM_001366470.2); c.2298C>G, p.Asn766Lys (NM_001164000.2, NM_001366471.2, NM_001366472.2); c.2862C>G, p.Asn954Lys (NM_001366466.2); c.2328C>G, p.Asn776Lys (NM_001366467.2, NM_001366468.2); c.1890C>G, p.Asn630Lys (NM_001366473.2); c.1326C>G, p.Asn442Lys (NM_001366474.2); short protein forms N442K, N630K, N766K, N767K, N775K, N776K, N840K, N954K.
Identifiers: ClinVar variation 1805470 (VCV001805470.1), dbSNP rs2549200204, ClinGen allele CA355074266.